The following is an entry in ClinVar:

NM_001353694.2(TIAM1):c.2033G>A (p.Arg678His)

Gene: TIAM1 (TIAM Rac1 associated GEF 1; minus strand). Cytogenetic location: 21q22.11.
Variant type: single nucleotide variant.
Coding change: c.2033G>A on transcript NM_001353694.2 (MANE Select); coding-DNA position 2033, G replaced by A.
Protein change: p.Arg678His; replaces arginine 678 with histidine.
Molecular consequence: missense variant.
Genome position (GRCh38, 1-based): chr21:31,217,662, C>T on the plus strand (G>A on the coding strand, the complement: TIAM1 is on the minus strand). VCF-style: chr21-31217662-C-T. GRCh37 (hg19) VCF-style: chr21-32589978-C-T.
Other names: c.2033G>A, p.Arg678His (NM_001353686.2, NM_001353687.2, NM_001353688.1 and 6 more transcripts); short protein forms R678H.
Identifiers: ClinVar variation 3384487 (VCV003384487.2).

ClinVar aggregate classification (germline): Uncertain significance. Review status: criteria provided, multiple submitters, no conflicts (2 of 4 stars). 2 submissions from 2 submitters: Uncertain significance (2). Last evaluated 2024-11-10.

gnomAD v4.1: 59 of 1,613,744 alleles (0.0037%); highest among the groups gnomAD compares: African/African-American, 0.047%; no homozygotes.

Submissions (2):

Ambry Genetics
Classification: Uncertain significance. Last evaluated: 2024-11-10. Review status: criteria provided, single submitter. Criteria: Ambry Variant Classification Scheme 2023. Collection method: clinical testing. Allele origin: germline.

GeneDx
Classification: Uncertain significance. Last evaluated: 2024-05-29. Review status: criteria provided, single submitter. Criteria: GeneDx Variant Classification Process June 2021. Collection method: clinical testing. Allele origin: germline. Affected: yes.
Comment: In silico analysis supports that this missense variant has a deleterious effect on protein structure/function; Has not been previously published as pathogenic or benign to our knowledge